The following is an entry in ClinVar:

ClinVar aggregate classification (germline): Uncertain significance (1 of 4 stars; one submission).

Allele frequency attached by ClinVar (database versions not stated): gnomAD exomes below 0.00001; TOPMed below 0.00001; ExAC 0.00001; gnomAD 0.00001.
gnomAD v4.1: 4 of 1,614,010 alleles (0.00025%); highest among the groups gnomAD compares: Non-Finnish European, 0.00017%; no homozygotes.

Submission:

GeneDx
Classification: Uncertain significance. Last evaluated: 2022-03-11. Review status: criteria provided, single submitter. Criteria: GeneDx Variant Classification Process June 2021. Collection method: clinical testing. Allele origin: germline. Affected: yes.
Comment: In silico analysis supports that this missense variant has a deleterious effect on protein structure/function; Has not been previously published as pathogenic or benign to our knowledge

NM_001374828.1(ARID1B):c.4772G>A (p.Arg1591His)

Gene: ARID1B (AT-rich interaction domain 1B; plus strand). Cytogenetic location: 6q25.3.
Variant type: single nucleotide variant.
Coding change: c.4772G>A on transcript NM_001374828.1 (MANE Select); coding-DNA position 4772, G replaced by A.
Protein change: p.Arg1591His; replaces arginine 1591 with histidine.
Molecular consequence: missense variant.
Genome position (GRCh38, 1-based): chr6:157,200,997, G>A. VCF-style: chr6-157200997-G-A. GRCh37 (hg19) VCF-style: chr6-157522131-G-A.
Other names: c.4403G>A (NM_020732.3); c.2273G>A, p.Arg758His (NM_001363725.2); c.4652G>A, p.Arg1551His (NM_001371656.1, NM_001374820.1); c.4613G>A, p.Arg1538His (NM_017519.3); short protein forms R1538H, R1551H, R1591H, R758H.
Identifiers: ClinVar variation 1526354 (VCV001526354.2), dbSNP rs780970034, ClinGen allele CA4067705.
Genomic context (GRCh38, chr6:157,200,997, plus strand): 5'-TGGGCGGCCCGCTGCAGTCGTCCTCCAGTGAGGGGCCTCAGCAGAATATGTGGGCAGCAC[G>A]CAATGATATGCCTTATCCCTACCAGAACAGGCAGGGCCCTGGCGGCCCTACACAGGCGCC-3'
Protein context (NP_001361757.1, residues 1581-1601): EGPQQNMWAA[Arg1591His]NDMPYPYQNR